The following is an entry in ClinVar:

ClinVar aggregate classification (germline): Uncertain significance (1 of 4 stars; one submission).

Allele frequency attached by ClinVar (database versions not stated): gnomAD exomes 0.00002 and 0.00010; ExAC 0.00016; gnomAD 0.00035 and 0.00038; TOPMed 0.00037; ESP Exome Variant Server 0.00054.
gnomAD v4.1: 86 of 1,614,078 alleles (0.0053%); highest among the groups gnomAD compares: African/African-American, 0.11%; no homozygotes.

Submission:

Labcorp Genetics (formerly Invitae), Labcorp
Classification: Uncertain significance. Last evaluated: 2022-08-09. Review status: criteria provided, single submitter. Criteria: Invitae Variant Classification Sherloc (09022015). Collection method: clinical testing. Allele origin: germline.
Comment: This sequence change replaces threonine, which is neutral and polar, with proline, which is neutral and non-polar, at codon 146 of the RNF216 protein (p.Thr146Pro). This variant is present in population databases (rs149159792, gnomAD 0.1%). This variant has not been reported in the literature in individuals affected with RNF216-related conditions. ClinVar contains an entry for this variant (Variation ID: 1399070). Algorithms developed to predict the effect of missense changes on protein structure and function (SIFT, PolyPhen-2, Align-GVGD) all suggest that this variant is likely to be tolerated. In summary, the available evidence is currently insufficient to determine the role of this variant in disease. Therefore, it has been classified as a Variant of Uncertain Significance.

NM_207111.4(RNF216):c.436A>C (p.Thr146Pro)

Gene: RNF216 (ring finger protein 216; minus strand). Cytogenetic location: 7p22.1.
Variant type: single nucleotide variant.
Coding change: c.436A>C on transcript NM_207111.4 (MANE Select); coding-DNA position 436, A replaced by C.
Protein change: p.Thr146Pro; replaces threonine 146 with proline.
Molecular consequence: missense variant.
Genome position (GRCh38, 1-based): chr7:5,741,581, T>G on the plus strand (A>C on the coding strand, the complement: RNF216 is on the minus strand). VCF-style: chr7-5741581-T-G. GRCh37 (hg19) VCF-style: chr7-5781212-T-G.
Other names: c.265A>C, p.Thr89Pro (NM_001377156.1, NM_207116.3); short protein forms T89P, T146P.
Identifiers: ClinVar variation 1399070 (VCV001399070.3), dbSNP rs149159792, ClinGen allele CA4148536.